The following is an entry in ClinVar:

ClinVar aggregate classification (germline): Uncertain significance (1 of 4 stars; one submission).

Conditions:
Neuroblastoma, susceptibility to, 3. Also called: ALK-Related Neuroblastic Tumor Susceptibility. Identifiers: Orphanet 635, MedGen C2751681, MONDO:0013083, OMIM 613014.

gnomAD v4.1: 1 of 1,613,982 alleles (0.000062%); highest among the groups gnomAD compares: Non-Finnish European, 0.000085%; no homozygotes.

Submission:

Labcorp Genetics (formerly Invitae), Labcorp
Classification: Uncertain significance for Neuroblastoma, susceptibility to, 3. Last evaluated: 2023-03-23. Review status: criteria provided, single submitter. Criteria: Invitae Variant Classification Sherloc (09022015). Collection method: clinical testing. Allele origin: germline.
Comment: An algorithm developed to predict the effect of missense changes on protein structure and function (PolyPhen-2) suggests that this variant is likely to be disruptive. This sequence change replaces proline, which is neutral and non-polar, with glutamine, which is neutral and polar, at codon 230 of the ALK protein (p.Pro230Gln). This variant is not present in population databases (gnomAD no frequency). This variant has not been reported in the literature in individuals affected with ALK-related conditions. In summary, the available evidence is currently insufficient to determine the role of this variant in disease. Therefore, it has been classified as a Variant of Uncertain Significance.

NM_004304.5(ALK):c.689C>A (p.Pro230Gln)

Gene: ALK (ALK receptor tyrosine kinase; minus strand). Cytogenetic location: 2p23.2.
Variant type: single nucleotide variant.
Coding change: c.689C>A on transcript NM_004304.5 (MANE Select); coding-DNA position 689, C replaced by A.
Protein change: p.Pro230Gln; replaces proline 230 with glutamine.
Molecular consequence: missense variant.
Genome position (GRCh38, 1-based): chr2:29,717,676, G>T on the plus strand (C>A on the coding strand, the complement: ALK is on the minus strand). VCF-style: chr2-29717676-G-T. GRCh37 (hg19) VCF-style: chr2-29940542-G-T.
Other names: short protein forms P230Q.
Identifiers: ClinVar variation 2840276 (VCV002840276.3), dbSNP rs1679303194, ClinGen allele CA346587811.
Genomic context (GRCh38, chr2:29,717,676, plus strand): 5'-TTCATTATCCAGGTGAGATTCCATGTAAAATAATCAGGAGAAGGAGAAGGCATGTTTGTT[G>T]GTGATTCCAAGGAGCTATGACCTGGACATAAAAATAAAGAAAACACTGATCCATGTGCTT-3'
Protein context (NP_004295.2, residues 220-240): FGTGHSSLES[Pro230Gln]TNMPSPSPDY